The following is an entry in ClinVar:

Conditions:
Long QT syndrome 5 (LQT5). Identifiers: Orphanet 101016, Orphanet 768, MedGen C1867904, MONDO:0013372, OMIM 613695.

Submission:

Roden Lab, Vanderbilt University Medical Center
No classification provided (evidence only). Condition: Long QT syndrome 5. Review status: no classification provided. Collection method: in vitro. Allele origin: not applicable. Functional consequence: Effect on ion channel function.
ClinVar note: "not provided" was previously submitted as the classification for the variant. However, the classification appeared to be based only on an observation of functional data so it was converted to no classification on 2025-07-30.

NM_000219.6(KCNE1):c.79A>C (p.Met27Leu)

Gene: KCNE1 (potassium voltage-gated channel subfamily E regulatory subunit 1; minus strand). Cytogenetic location: 21q22.12.
Variant type: single nucleotide variant.
Coding change: c.79A>C on transcript NM_000219.6 (MANE Select); coding-DNA position 79, A replaced by C.
Protein change: p.Met27Leu; replaces methionine 27 with leucine.
Molecular consequence: missense variant.
Genome position (GRCh38, 1-based): chr21:34,449,556, T>G on the plus strand (A>C on the coding strand, the complement: KCNE1 is on the minus strand). VCF-style: chr21-34449556-T-G. GRCh37 (hg19) VCF-style: chr21-35821854-T-G.
Other names: c.79A>C, p.Met27Leu (NM_001127668.4, NM_001127669.4, NM_001127670.4 and 4 more transcripts); short protein forms M27L.
Identifiers: ClinVar variation 3373990 (VCV003373990.2).